The following is an entry in ClinVar:

ClinVar aggregate classification (germline): Uncertain significance (1 of 4 stars; one submission).

Conditions:
Teebi hypertelorism syndrome 1. Identifiers: Orphanet 1519, MedGen CN306405, MONDO:0800025, OMIM 145420.
Oculomaxillofacial dysostosis (OBLFC1). Also called: OCULOMAXILLOFACIAL DYSPLASIA WITH OBLIQUE FACIAL CLEFTS. Identifiers: Orphanet 141258, Orphanet 1794, MedGen C1838348, MONDO:0015824, OMIM 600251.

Submission:

Juno Genomics, Hangzhou Juno Genomics, Inc
Classification: Uncertain significance for Oculomaxillofacial dysostosis; Teebi hypertelorism syndrome 1. Review status: criteria provided, single submitter. Criteria: ACMG Guidelines, 2015. Collection method: clinical testing. Allele origin: germline.
Comment: Absent from controls (or at extremely low frequency if recessive) in Genome Aggregation Database.;Multiple lines of computational evidence support a deleterious effect on the gene or gene product.

NM_015330.6(SPECC1L):c.3088A>C (p.Asn1030His)

Genes: SPECC1L (sperm antigen with calponin homology and coiled-coil domains 1 like; plus strand), SPECC1L-ADORA2A (SPECC1L-ADORA2A readthrough (NMD candidate); plus strand). Cytogenetic location: 22q11.23.
Variant type: single nucleotide variant.
Coding change: c.3088A>C on transcript NM_015330.6 (MANE Select); coding-DNA position 3088, A replaced by C.
Protein change: p.Asn1030His; replaces asparagine 1030 with histidine.
Molecular consequence: missense variant. On other transcripts: intron variant (1), non-coding transcript variant (1).
Genome position (GRCh38, 1-based): chr22:24,411,588, A>C. VCF-style: chr22-24411588-A-C. GRCh37 (hg19) VCF-style: chr22-24807556-A-C.
Other names: c.3088-1060A>C (NM_001254732.3); c.3088A>C, p.Asn1030His (NM_001145468.4); c.286A>C, p.Asn96His (NM_001254733.2); short protein forms N96H, N1030H.
Identifiers: ClinVar variation 5006467 (VCV005006467.2).